The following is an entry in ClinVar:

ClinVar aggregate classification (germline): Benign/Likely benign. Review status: criteria provided, multiple submitters, no conflicts (2 of 4 stars). 2 submissions from 2 submitters: Benign (1); Likely benign (1). Last evaluated 2025-12-15.

Conditions:
PHIP-related disorder. Also called: PHIP-related disorders; PHIP-related condition.

Allele frequency attached by ClinVar (database versions not stated): gnomAD exomes below 0.00001; ExAC 0.00002; gnomAD 0.00003; TOPMed 0.00004; ESP Exome Variant Server 0.00015.
gnomAD v4.1: 7 of 1,612,048 alleles (0.00043%); highest among the groups gnomAD compares: African/African-American, 0.0094%; no homozygotes.

Submissions (2):

PreventionGenetics, part of Exact Sciences
Classification: Likely benign for PHIP-related condition. Last evaluated: 2025-12-15. Review status: criteria provided, single submitter. Criteria: ACMG Guidelines, 2015. Collection method: clinical testing. Allele origin: germline.
Comment: This variant is classified as likely benign based on ACMG/AMP sequence variant interpretation guidelines (Richards et al. 2015 PMID: 25741868, with internal and published modifications).

Labcorp Genetics (formerly Invitae), Labcorp
Classification: Benign. Last evaluated: 2023-11-24. Review status: criteria provided, single submitter. Criteria: Invitae Variant Classification Sherloc (09022015). Collection method: clinical testing. Allele origin: germline.

NM_017934.7(PHIP):c.2607T>G (p.Val869=)

Gene: PHIP (PHIP subunit of CUL4-Ring ligase complex; minus strand). Cytogenetic location: 6q14.1.
Variant type: single nucleotide variant.
Coding change: c.2607T>G on transcript NM_017934.7 (MANE Select); coding-DNA position 2607, T replaced by G.
Protein change: p.Val869=; no amino-acid change (valine 869 retained).
Molecular consequence: synonymous variant.
Genome position (GRCh38, 1-based): chr6:78,983,048, A>C on the plus strand (T>G on the coding strand, the complement: PHIP is on the minus strand). VCF-style: chr6-78983048-A-C. GRCh37 (hg19) VCF-style: chr6-79692765-A-C.
Other names: c.2607T>G (NM_017934.6).
Identifiers: ClinVar variation 2742659 (VCV002742659.4), dbSNP rs138242082, ClinGen allele CA3899900.